The following is an entry in ClinVar:

NM_001367624.2(ZNF469):c.773T>C (p.Ile258Thr)

Gene: ZNF469 (zinc finger protein 469; plus strand). Cytogenetic location: 16q24.2.
Variant type: single nucleotide variant.
Coding change: c.773T>C on transcript NM_001367624.2 (MANE Select); coding-DNA position 773, T replaced by C.
Protein change: p.Ile258Thr; replaces isoleucine 258 with threonine.
Molecular consequence: missense variant.
Genome position (GRCh38, 1-based): chr16:88,428,243, T>C. VCF-style: chr16-88428243-T-C. GRCh37 (hg19) VCF-style: chr16-88494651-T-C.
Other names: NM_001127464.1:c.773T>C; short protein forms I258T.
Identifiers: ClinVar variation 2576776 (VCV002576776.1), dbSNP rs2507572478, ClinGen allele CA397061923.

ClinVar aggregate classification (germline): Uncertain significance (1 of 4 stars; one submission).

Submission:

GeneDx
Classification: Uncertain significance. Last evaluated: 2023-02-21. Review status: criteria provided, single submitter. Criteria: GeneDx Variant Classification Process June 2021. Collection method: clinical testing. Allele origin: germline. Affected: yes.
Comment: Not observed at significant frequency in large population cohorts (gnomAD); In silico analysis supports that this missense variant does not alter protein structure/function; Has not been previously published as pathogenic or benign to our knowledge